The following is an entry in ClinVar:

ClinVar aggregate classification (germline): Pathogenic. Review status: criteria provided, multiple submitters, no conflicts (2 of 4 stars). 2 submissions from 2 submitters: Pathogenic (2). Last evaluated 2026-01-20.

Conditions:
Immunodeficiency 57. Also called: IMMUNODEFICIENCY 57 WITH AUTOINFLAMMATION. Identifiers: MedGen C4748212, MONDO:0020849, OMIM 618108.

Allele frequency attached by ClinVar (database versions not stated): ExAC 0.00001.
gnomAD v4.1: 13 of 1,612,562 alleles (0.00081%); highest among the groups gnomAD compares: African/African-American, 0.004%; no homozygotes.

Submissions (2):

Labcorp Genetics (formerly Invitae), Labcorp
Classification: Pathogenic. Last evaluated: 2026-01-20. Review status: criteria provided, single submitter. Criteria: Invitae Variant Classification Sherloc (09022015). Collection method: clinical testing. Allele origin: germline.
Comment: This sequence change creates a premature translational stop signal (p.Arg827*) in the SKIV2L gene. It is expected to result in an absent or disrupted protein product. Loss-of-function variants in SKIV2L are known to be pathogenic (PMID: 22444670). This variant is present in population databases (rs767084483, gnomAD 0.009%). This variant has not been reported in the literature in individuals affected with SKIV2L-related conditions. ClinVar contains an entry for this variant (Variation ID: 1929382). For these reasons, this variant has been classified as Pathogenic.

Aleixo Muise Laboratory, Hospital For Sick Children
Classification: Pathogenic for Immunodeficiency 57. Last evaluated: 2024-07-05. Review status: criteria provided, single submitter. Criteria: ACMG Guidelines, 2015. Collection method: research. Allele origin: inherited. Affected: yes. Observed: 1 variant allele.
Comment: PVS1;PM2;PM3;PP3;PP4

Literature cited by the submitters: PubMed 22444670 (cited by Labcorp Genetics (formerly Invitae), Labcorp).

NM_006929.5(SKIC2):c.2479C>T (p.Arg827Ter)

Gene: SKIC2 (SKI2 subunit of superkiller complex; plus strand). Cytogenetic location: 6p21.33.
Variant type: single nucleotide variant.
Coding change: c.2479C>T on transcript NM_006929.5 (MANE Select); coding-DNA position 2479, C replaced by T.
Protein change: p.Arg827Ter; replaces arginine 827 with a stop codon.
Molecular consequence: nonsense.
Genome position (GRCh38, 1-based): chr6:31,967,273, C>T. VCF-style: chr6-31967273-C-T. GRCh37 (hg19) VCF-style: chr6-31935050-C-T.
Other names: short protein forms R827*.
Identifiers: ClinVar variation 1929382 (VCV001929382.6), dbSNP rs767084483, ClinGen allele CA3729791.